The following is an entry in ClinVar:

NM_176787.5(PIGN):c.398C>T (p.Thr133Ile)

Gene: PIGN (phosphatidylinositol glycan anchor biosynthesis class N; minus strand). Cytogenetic location: 18q21.33.
Variant type: single nucleotide variant.
Coding change: c.398C>T on transcript NM_176787.5 (MANE Select); coding-DNA position 398, C replaced by T.
Protein change: p.Thr133Ile; replaces threonine 133 with isoleucine.
Molecular consequence: missense variant.
Genome position (GRCh38, 1-based): chr18:62,157,173, G>A on the plus strand (C>T on the coding strand, the complement: PIGN is on the minus strand). VCF-style: chr18-62157173-G-A. GRCh37 (hg19) VCF-style: chr18-59824406-G-A.
Other names: c.398C>T, p.Thr133Ile (NM_012327.6); short protein forms T133I.
Identifiers: ClinVar variation 1356699 (VCV001356699.6), dbSNP rs1283550707, ClinGen allele CA402603274.

ClinVar aggregate classification (germline): Uncertain significance (1 of 4 stars; one submission).

Conditions:
Multiple congenital anomalies-hypotonia-seizures syndrome 1 (MCAHS1). Also called: GLYCOSYLPHOSPHATIDYLINOSITOL BIOSYNTHESIS DEFECT 3; PIGN-CDG; Congenital disorder of glycosylation due to PIGN deficiency. Identifiers: Orphanet 280633, MedGen C3279775, MONDO:0013563, OMIM 614080.

Allele frequency attached by ClinVar (database versions not stated): gnomAD 0.00001.

Submission:

Labcorp Genetics (formerly Invitae), Labcorp
Classification: Uncertain significance for Multiple congenital anomalies-hypotonia-seizures syndrome 1. Last evaluated: 2025-04-28. Review status: criteria provided, single submitter. Criteria: Invitae Variant Classification Sherloc (09022015). Collection method: clinical testing. Allele origin: germline.
Comment: This sequence change replaces threonine, which is neutral and polar, with isoleucine, which is neutral and non-polar, at codon 133 of the PIGN protein (p.Thr133Ile). This variant is not present in population databases (gnomAD no frequency). This variant has not been reported in the literature in individuals affected with PIGN-related conditions. ClinVar contains an entry for this variant (Variation ID: 1356699). Invitae Evidence Modeling of protein sequence and biophysical properties (such as structural, functional, and spatial information, amino acid conservation, physicochemical variation, residue mobility, and thermodynamic stability) indicates that this missense variant is expected to disrupt PIGN protein function with a positive predictive value of 80%. Experimental studies have shown that this missense change affects PIGN function (PMID: 27891564). In summary, the available evidence is currently insufficient to determine the role of this variant in disease. Therefore, it has been classified as a Variant of Uncertain Significance.

Literature cited by the submitters: PubMed 27891564.